The following is an entry in ClinVar:

NM_000095.3(COMP):c.1246C>T (p.Pro416Ser)

Gene: COMP (cartilage oligomeric matrix protein; minus strand). Cytogenetic location: 19p13.11.
Variant type: single nucleotide variant.
Coding change: c.1246C>T on transcript NM_000095.3 (MANE Select); coding-DNA position 1246, C replaced by T.
Protein change: p.Pro416Ser; replaces proline 416 with serine.
Molecular consequence: missense variant.
Genome position (GRCh38, 1-based): chr19:18,786,540, G>A on the plus strand (C>T on the coding strand, the complement: COMP is on the minus strand). VCF-style: chr19-18786540-G-A. GRCh37 (hg19) VCF-style: chr19-18897350-G-A.
Other names: short protein forms P416S.
Identifiers: ClinVar variation 3147930 (VCV003147930.4), dbSNP rs751860122, ClinGen allele CA306255906.
Genomic context (GRCh38, chr19:18,786,540, plus strand): 5'-ACTTGCAGTTCACCCAGAGGGCTTACCCAGCTGGAGTCTGGCCTGCCCTCACCTGATCCG[G>A]GTTGCTCTTCTGGGGACAGTTGTCACAGGCATCCCCTATACCATCGCCATCACTGTCCTT-3'
Protein context (NP_000086.2, residues 406-426): ACDNCPQKSN[Pro416Ser]DQADVDHDFV

ClinVar aggregate classification (germline): Uncertain significance. Review status: criteria provided, multiple submitters, no conflicts (2 of 4 stars). 3 submissions from 3 submitters: Uncertain significance (3). Last evaluated 2025-07-08.

Conditions:
Inborn genetic diseases. Identifiers: MedGen C0950123, MeSH D030342.

Allele frequency attached by ClinVar (database versions not stated): gnomAD exomes below 0.00001.
gnomAD v4.1: 9 of 1,613,676 alleles (0.00056%); highest among the groups gnomAD compares: South Asian, 0.0044%; no homozygotes.

Submissions (3):

GeneDx
Classification: Uncertain significance. Last evaluated: 2025-07-08. Review status: criteria provided, single submitter. Criteria: GeneDx Variant Classification Process June 2021. Collection method: clinical testing. Allele origin: germline. Affected: yes.
Comment: Not observed at significant frequency in large population cohorts (gnomAD); In silico analysis supports that this missense variant has a deleterious effect on protein structure/function; Has not been previously published as pathogenic or benign to our knowledge

Labcorp Genetics (formerly Invitae), Labcorp
Classification: Uncertain significance. Last evaluated: 2025-03-18. Review status: criteria provided, single submitter. Criteria: Invitae Variant Classification Sherloc (09022015). Collection method: clinical testing. Allele origin: germline.
Comment: This sequence change replaces proline, which is neutral and non-polar, with serine, which is neutral and polar, at codon 416 of the COMP protein (p.Pro416Ser). This variant is not present in population databases (gnomAD no frequency). This variant has not been reported in the literature in individuals affected with COMP-related conditions. ClinVar contains an entry for this variant (Variation ID: 3147930). Invitae Evidence Modeling of protein sequence and biophysical properties (such as structural, functional, and spatial information, amino acid conservation, physicochemical variation, residue mobility, and thermodynamic stability) indicates that this missense variant is not expected to disrupt COMP protein function with a negative predictive value of 80%. In summary, the available evidence is currently insufficient to determine the role of this variant in disease. Therefore, it has been classified as a Variant of Uncertain Significance.

Ambry Genetics
Classification: Uncertain significance for Inborn genetic diseases. Last evaluated: 2023-11-06. Review status: criteria provided, single submitter. Criteria: Ambry Variant Classification Scheme 2023. Collection method: clinical testing. Allele origin: germline.